The following is an entry in ClinVar:

NM_000360.4(TH):c.467G>A (p.Arg156His)

Gene: TH (tyrosine hydroxylase; minus strand). Cytogenetic location: 11p15.5.
Variant type: single nucleotide variant.
Coding change: c.467G>A on transcript NM_000360.4 (MANE Select); coding-DNA position 467, G replaced by A.
Protein change: p.Arg156His; replaces arginine 156 with histidine.
Molecular consequence: missense variant.
Genome position (GRCh38, 1-based): chr11:2,168,511, C>T on the plus strand (G>A on the coding strand, the complement: TH is on the minus strand). VCF-style: chr11-2168511-C-T. GRCh37 (hg19) VCF-style: chr11-2189741-C-T.
Other names: c.560G>A, p.Arg187His (NM_199292.3); c.548G>A, p.Arg183His (NM_199293.3); short protein forms R187H, R156H, R183H.
Identifiers: ClinVar variation 2164730 (VCV002164730.2), dbSNP rs774809996, ClinGen allele CA5818654.

ClinVar aggregate classification (germline): Uncertain significance (1 of 4 stars; one submission).

Conditions:
TH-deficient dopa-responsive dystonia. Also called: Tyrosine Hydroxylase-Deficient Dopa-Responsive Dystonia; Segawa syndrome, autosomal recessive; DYT-TH. Identifiers: Orphanet 101150, MedGen C2673535, MONDO:0011551, OMIM 605407.

Allele frequency attached by ClinVar (database versions not stated): gnomAD exomes 0.00001; TOPMed 0.00001; gnomAD 0.00002; ExAC 0.00003.
gnomAD v4.1: 10 of 1,612,198 alleles (0.00062%); highest among the groups gnomAD compares: South Asian, 0.0022%; no homozygotes.

Submission:

Labcorp Genetics (formerly Invitae), Labcorp
Classification: Uncertain significance for TH-deficient dopa-responsive dystonia. Last evaluated: 2025-01-06. Review status: criteria provided, single submitter. Criteria: Invitae Variant Classification Sherloc (09022015). Collection method: clinical testing. Allele origin: germline.
Comment: This sequence change replaces arginine, which is basic and polar, with histidine, which is basic and polar, at codon 187 of the TH protein (p.Arg187His). This variant is present in population databases (rs774809996, gnomAD 0.003%). This variant has not been reported in the literature in individuals affected with TH-related conditions. ClinVar contains an entry for this variant (Variation ID: 2164730). Invitae Evidence Modeling of protein sequence and biophysical properties (such as structural, functional, and spatial information, amino acid conservation, physicochemical variation, residue mobility, and thermodynamic stability) has been performed for this missense variant. However, the output from this modeling did not meet the statistical confidence thresholds required to predict the impact of this variant on TH protein function. In summary, the available evidence is currently insufficient to determine the role of this variant in disease. Therefore, it has been classified as a Variant of Uncertain Significance.